The following is an entry in ClinVar:

NC_000002.11:g.(?_232121279)_(232121353_?)dup

Gene: ARMC9 (armadillo repeat containing 9; plus strand). Cytogenetic location: 2q37.1.
Variant type: Duplication.
Identifiers: ClinVar variation 2424081 (VCV002424081.4).

ClinVar aggregate classification (germline): Likely pathogenic (1 of 4 stars; one submission).

Submission:

Labcorp Genetics (formerly Invitae), Labcorp
Classification: Likely pathogenic. Last evaluated: 2022-05-09. Review status: criteria provided, single submitter. Criteria: Invitae Variant Classification Sherloc (09022015). Collection method: clinical testing. Allele origin: germline.
Comment: This variant is a gross gain of the genomic region encompassing exon 9 of the ARMC9 gene. This is also known as a gain of exon 10 when the first non-coding exon is represented as exon 1. While the exact position of this variant cannot be determined from the data, sub-genic copy number gains are generally in tandem (PMID: 25640679). This variant is predicted to be out-of-frame, and may result in an absent or disrupted protein product. Loss-of-function variants in ARMC9 are known to be pathogenic (PMID: 28625504). This variant has not been reported in the literature in individuals affected with ARMC9-related conditions. In summary, the currently available evidence indicates that the variant is pathogenic, but additional data are needed to prove that conclusively. Therefore, this variant has been classified as Likely Pathogenic.

Literature cited by the submitters: PubMed 25640679; PubMed 28625504.